The following is an entry in ClinVar:

ClinVar aggregate classification (germline): Pathogenic (1 of 4 stars; one submission).

Allele frequency attached by ClinVar (database versions not stated): gnomAD 0.00001; gnomAD exomes 0.00001; ExAC 0.00001.
gnomAD v4.1: 6 of 1,613,408 alleles (0.00037%); highest among the groups gnomAD compares: Non-Finnish European, 0.00042%; no homozygotes.

Submission:

GeneDx
Classification: Pathogenic. Last evaluated: 2015-11-23. Review status: criteria provided, single submitter. Criteria: GeneDx Variant Classification (06012015). Collection method: clinical testing. Allele origin: germline. Affected: yes.
Comment: To our knowledge, the Y1929X pathogenic variant in the ABCA12 gene has not been reported previously as a pathogenic variant nor as a benign variant. This variant is predicted to cause loss of normal protein function either through protein truncation or nonsense-mediated mRNA decay. It was not observed in approximately 6,500 individuals of European and African American ancestry in the NHLBI Exome Sequencing Project, indicating it is not a common benign variant in these populations. We interpret Y1929X as a pathogenic variant.

NM_173076.3(ABCA12):c.5787T>G (p.Tyr1929Ter)

Gene: ABCA12 (ATP binding cassette subfamily A member 12; minus strand). Cytogenetic location: 2q35.
Variant type: single nucleotide variant.
Coding change: c.5787T>G on transcript NM_173076.3 (MANE Select); coding-DNA position 5787, T replaced by G.
Protein change: p.Tyr1929Ter; replaces tyrosine 1929 with a stop codon.
Molecular consequence: nonsense. On other transcripts: non-coding transcript variant (1).
Genome position (GRCh38, 1-based): chr2:214,966,945, A>C on the plus strand (T>G on the coding strand, the complement: ABCA12 is on the minus strand). VCF-style: chr2-214966945-A-C. GRCh37 (hg19) VCF-style: chr2-215831669-A-C.
Other names: c.4833T>G, p.Tyr1611Ter (NM_015657.4); short protein forms Y1929*, Y1611*.
Identifiers: ClinVar variation 280169 (VCV000280169.2), dbSNP rs761557390, ClinGen allele CA2091099.